The following is an entry in ClinVar:

ClinVar aggregate classification (germline): Uncertain significance (1 of 4 stars; one submission).

Conditions:
Autosomal dominant polycystic kidney disease. Identifiers: Orphanet 730, MedGen C0085413, MONDO:0004691.

Submission:

Labcorp Genetics (formerly Invitae), Labcorp
Classification: Uncertain significance for Autosomal dominant polycystic kidney disease. Last evaluated: 2022-07-25. Review status: criteria provided, single submitter. Criteria: Invitae Variant Classification Sherloc (09022015). Collection method: clinical testing. Allele origin: germline.
Comment: In summary, the available evidence is currently insufficient to determine the role of this variant in disease. Therefore, it has been classified as a Variant of Uncertain Significance. Algorithms developed to predict the effect of missense changes on protein structure and function output the following: SIFT: "Tolerated"; PolyPhen-2: "Benign"; Align-GVGD: "Class C0". The valine amino acid residue is found in multiple mammalian species, which suggests that this missense change does not adversely affect protein function. This variant has not been reported in the literature in individuals affected with PKD2-related conditions. This variant is not present in population databases (gnomAD no frequency). This sequence change replaces isoleucine, which is neutral and non-polar, with valine, which is neutral and non-polar, at codon 382 of the PKD2 protein (p.Ile382Val).

NM_000297.4(PKD2):c.1144A>G (p.Ile382Val)

Gene: PKD2 (polycystin 2, transient receptor potential cation channel; plus strand). Cytogenetic location: 4q22.1.
Variant type: single nucleotide variant.
Coding change: c.1144A>G on transcript NM_000297.4 (MANE Select); coding-DNA position 1144, A replaced by G.
Protein change: p.Ile382Val; replaces isoleucine 382 with valine.
Molecular consequence: missense variant. On other transcripts: non-coding transcript variant (1).
Genome position (GRCh38, 1-based): chr4:88,043,282, A>G. VCF-style: chr4-88043282-A-G. GRCh37 (hg19) VCF-style: chr4-88964434-A-G.
Other names: short protein forms I382V.
Identifiers: ClinVar variation 2084016 (VCV002084016.4), dbSNP rs760492200, ClinGen allele CA357615498.